The following is an entry in ClinVar:

NM_020971.3(SPTBN4):c.7679G>T (p.Ser2560Ile)

Gene: SPTBN4 (spectrin beta, non-erythrocytic 4; plus strand). Cytogenetic location: 19q13.2.
Variant type: single nucleotide variant.
Coding change: c.7679G>T on transcript NM_020971.3 (MANE Select); coding-DNA position 7679, G replaced by T.
Protein change: p.Ser2560Ile; replaces serine 2560 with isoleucine.
Molecular consequence: missense variant.
Genome position (GRCh38, 1-based): chr19:40,575,553, G>T. VCF-style: chr19-40575553-G-T. GRCh37 (hg19) VCF-style: chr19-41081459-G-T.
Other names: short protein forms S2560I.
Identifiers: ClinVar variation 3169625 (VCV003169625.2), dbSNP rs2081194064, ClinGen allele CA405919968.

ClinVar aggregate classification (germline): Uncertain significance. Review status: criteria provided, multiple submitters, no conflicts (2 of 4 stars). 2 submissions from 2 submitters: Uncertain significance (2). Last evaluated 2025-02-08.

Conditions:
SPTBN4-related disorder. Also called: SPTBN4-related condition.
Inborn genetic diseases. Identifiers: MedGen C0950123, MeSH D030342.

Allele frequency attached by ClinVar (database versions not stated): gnomAD 0.00001; TOPMed 0.00001.

Submissions (2):

PreventionGenetics, part of Exact Sciences
Classification: Uncertain significance for SPTBN4-related condition. Last evaluated: 2025-02-08. Review status: criteria provided, single submitter. Criteria: ACMG Guidelines, 2015. Collection method: clinical testing. Allele origin: germline.
Comment: The SPTBN4 c.7679G>T variant is predicted to result in the amino acid substitution p.Ser2560Ile. To our knowledge, this variant has not been reported in the literature or in a large population database (gnomAD), indicating this variant is rare. At this time, the clinical significance of this variant is uncertain due to the absence of conclusive functional and genetic evidence.

Ambry Genetics
Classification: Uncertain significance for Inborn genetic diseases. Last evaluated: 2024-01-23. Review status: criteria provided, single submitter. Criteria: Ambry Variant Classification Scheme 2023. Collection method: clinical testing. Allele origin: germline.